The following is an entry in ClinVar:

ClinVar aggregate classification (germline): Conflicting classifications of pathogenicity. Review status: criteria provided, conflicting classifications (1 of 4 stars). 2 submissions from 2 submitters: Uncertain significance (1); Likely benign (1). Last evaluated 2025-12-19.

Conditions:
Inborn genetic diseases. Identifiers: MedGen C0950123, MeSH D030342.

gnomAD v4.1: 167 of 1,613,984 alleles (0.01%); highest among the groups gnomAD compares: Non-Finnish European, 0.011%; no homozygotes.

Submissions (2):

Labcorp Genetics (formerly Invitae), Labcorp
Classification: Uncertain significance. Last evaluated: 2025-12-19. Review status: criteria provided, single submitter. Criteria: Invitae Variant Classification Sherloc (09022015). Collection method: clinical testing. Allele origin: germline.
Comment: This sequence change replaces serine, which is neutral and polar, with cysteine, which is neutral and slightly polar, at codon 1320 of the BPTF protein (p.Ser1320Cys). This variant is present in population databases (rs199969212, gnomAD 0.05%), and has an allele count higher than expected for a pathogenic variant. This variant has not been reported in the literature in individuals affected with BPTF-related conditions. ClinVar contains an entry for this variant (Variation ID: 3481691). An algorithm developed to predict the effect of missense changes on protein structure and function (PolyPhen-2) suggests that this variant is likely to be disruptive. In summary, the available evidence is currently insufficient to determine the role of this variant in disease. Therefore, it has been classified as a Variant of Uncertain Significance.

Ambry Genetics
Classification: Likely benign for Inborn genetic diseases. Last evaluated: 2024-11-15. Review status: criteria provided, single submitter. Criteria: Ambry Variant Classification Scheme 2023. Collection method: clinical testing. Allele origin: germline.

NM_182641.4(BPTF):c.3581C>G (p.Ser1194Cys)

Gene: BPTF (bromodomain PHD finger transcription factor; plus strand). Cytogenetic location: 17q24.2.
Variant type: single nucleotide variant.
Coding change: c.3581C>G on transcript NM_182641.4 (MANE Select); coding-DNA position 3581, C replaced by G.
Protein change: p.Ser1194Cys; replaces serine 1194 with cysteine.
Molecular consequence: missense variant.
Genome position (GRCh38, 1-based): chr17:67,911,465, C>G. VCF-style: chr17-67911465-C-G. GRCh37 (hg19) VCF-style: chr17-65907581-C-G.
Other names: c.3959C>G, p.Ser1320Cys (NM_004459.7); short protein forms S1194C, S1320C.
Identifiers: ClinVar variation 3481691 (VCV003481691.3).